The following is an entry in ClinVar:

ClinVar aggregate classification (germline): Uncertain significance (1 of 4 stars; one submission).

Conditions:
Gastrointestinal stromal tumor. Also called: Gastrointestinal stromal tumor, somatic; Gastrointestinal stroma tumor. Identifiers: Orphanet 44890, MedGen C0238198, MeSH D046152, MONDO:0011719, OMIM 606764, HP:0100723.

Allele frequency attached by ClinVar (database versions not stated): gnomAD 0.00001.
gnomAD v4.1: 1 of 1,613,824 alleles (0.000062%); highest among the groups gnomAD compares: Non-Finnish European, 0.000085%; no homozygotes.

Submission:

Labcorp Genetics (formerly Invitae), Labcorp
Classification: Uncertain significance for Gastrointestinal stromal tumor. Last evaluated: 2024-07-16. Review status: criteria provided, single submitter. Criteria: Invitae Variant Classification Sherloc (09022015). Collection method: clinical testing. Allele origin: germline.
Comment: This sequence change replaces leucine, which is neutral and non-polar, with phenylalanine, which is neutral and non-polar, at codon 223 of the KIT protein (p.Leu223Phe). This variant is not present in population databases (gnomAD no frequency). This variant has not been reported in the literature in individuals affected with KIT-related conditions. An algorithm developed to predict the effect of missense changes on protein structure and function (PolyPhen-2) suggests that this variant is likely to be disruptive. In summary, the available evidence is currently insufficient to determine the role of this variant in disease. Therefore, it has been classified as a Variant of Uncertain Significance.

NM_000222.3(KIT):c.667C>T (p.Leu223Phe)

Gene: KIT (KIT proto-oncogene, receptor tyrosine kinase; plus strand). Cytogenetic location: 4q12.
Variant type: single nucleotide variant.
Coding change: c.667C>T on transcript NM_000222.3 (MANE Select); coding-DNA position 667, C replaced by T.
Protein change: p.Leu223Phe; replaces leucine 223 with phenylalanine.
Molecular consequence: missense variant.
Genome position (GRCh38, 1-based): chr4:54,699,677, C>T. VCF-style: chr4-54699677-C-T. GRCh37 (hg19) VCF-style: chr4-55565843-C-T.
Other names: c.667C>T, p.Leu223Phe (NM_001093772.2, NM_001385284.1, NM_001385285.1 and 4 more transcripts); short protein forms L223F.
Identifiers: ClinVar variation 3023080 (VCV003023080.3), dbSNP rs1720326514, ClinGen allele CA356898261.
Genomic context (GRCh38, chr4:54,699,677, plus strand): 5'-CTTTTCATTCTAGCCTTCAAAGCTGTGCCTGTTGTGTCTGTGTCCAAAGCAAGCTATCTT[C>T]TTAGGGAAGGGGAAGAATTCACAGTGACGTGCACAATAAAAGATGTGTCTAGTTCTGTGT-3'
Protein context (NP_000213.1, residues 213-233): VVSVSKASYL[Leu223Phe]REGEEFTVTC